The following is an entry in ClinVar:

ClinVar aggregate classification (germline): Pathogenic (1 of 4 stars; one submission).

Conditions:
Bloom syndrome (BLM). Also called: Bloom-Torre-Machacek syndrome. Identifiers: Orphanet 125, MedGen C0005859, MONDO:0008876, OMIM 210900.

Submission:

Labcorp Genetics (formerly Invitae), Labcorp
Classification: Pathogenic for Bloom syndrome. Last evaluated: 2023-10-13. Review status: criteria provided, single submitter. Criteria: Invitae Variant Classification Sherloc (09022015). Collection method: clinical testing. Allele origin: unknown.
Comment: This variant is a gross deletion of the genomic region encompassing exon(s) 2-9 of the BLM gene, which includes the initiator codon. This deletion extends beyond the assayed region for this gene and therefore may encompass additional genes. It is expected to result in an absent or disrupted protein product. Loss-of-function variants in BLM are known to be pathogenic (PMID: 17407155). This variant has not been reported in the literature in individuals affected with BLM-related conditions. For these reasons, this variant has been classified as Pathogenic.

Literature cited by the submitters: PubMed 17407155.

NC_000015.9:g.(?_91290623)_(91308654_?)del

Gene: BLM (BLM RecQ like helicase; plus strand). Cytogenetic location: 15q26.1.
Variant type: Deletion.
Identifiers: ClinVar variation 3243691 (VCV003243691.1).